The following is an entry in ClinVar:

NM_004998.4(MYO1E):c.979C>T (p.Gln327Ter)

Gene: MYO1E (myosin IE; minus strand). Cytogenetic location: 15q22.2.
Variant type: single nucleotide variant.
Coding change: c.979C>T on transcript NM_004998.4 (MANE Select); coding-DNA position 979, C replaced by T.
Protein change: p.Gln327Ter; replaces glutamine 327 with a stop codon.
Molecular consequence: nonsense.
Genome position (GRCh38, 1-based): chr15:59,218,019, G>A on the plus strand (C>T on the coding strand, the complement: MYO1E is on the minus strand). VCF-style: chr15-59218019-G-A. GRCh37 (hg19) VCF-style: chr15-59510218-G-A.
Other names: short protein forms Q327*.
Identifiers: ClinVar variation 1179070 (VCV001179070.2), dbSNP rs1427276872, ClinGen allele CA392650884.

ClinVar aggregate classification (germline): Pathogenic (1 of 4 stars; one submission).

Conditions:
Focal segmental glomerulosclerosis 6 (FSGS6). Identifiers: Orphanet 656, MedGen C3279905, MONDO:0013589, OMIM 614131.

Submission:

Fulgent Genetics
Classification: Pathogenic for Focal segmental glomerulosclerosis 6. Last evaluated: 2021-06-30. Review status: criteria provided, single submitter. Criteria: ACMG Guidelines, 2015. Collection method: clinical testing. Allele origin: unknown.
Comment: This variant has been detected in individual(s) who were sent for testing of Renasight - kidney gene panel.